The following is an entry in ClinVar:

NM_001171613.2(PREPL):c.125G>A (p.Arg42His)

Gene: PREPL (prolyl endopeptidase like; minus strand). Cytogenetic location: 2p21.
Variant type: single nucleotide variant.
Coding change: c.125G>A on transcript NM_001171613.2 (MANE Select); coding-DNA position 125, G replaced by A.
Protein change: p.Arg42His; replaces arginine 42 with histidine.
Molecular consequence: missense variant.
Genome position (GRCh38, 1-based): chr2:44,344,537, C>T on the plus strand (G>A on the coding strand, the complement: PREPL is on the minus strand). VCF-style: chr2-44344537-C-T. GRCh37 (hg19) VCF-style: chr2-44571676-C-T.
Other names: c.392G>A, p.Arg131His (NM_001042385.2, NM_001042386.2, NM_001171603.1 and 4 more transcripts); c.125G>A, p.Arg42His (NM_001171617.1, NM_001374277.1); short protein forms R131H, R42H.
Identifiers: ClinVar variation 2031557 (VCV002031557.4), dbSNP rs78562665, ClinGen allele CA1641617.

ClinVar aggregate classification (germline): Uncertain significance. Review status: criteria provided, multiple submitters, no conflicts (2 of 4 stars). 2 submissions from 2 submitters: Uncertain significance (2). Last evaluated 2025-09-24.

Conditions:
Myasthenic syndrome, congenital, 22 (CMS22). Also called: PREPL DEFICIENCY. Identifiers: MedGen C4479088, MONDO:0044299, OMIM 616224.
Inborn genetic diseases. Identifiers: MedGen C0950123, MeSH D030342.

Allele frequency attached by ClinVar (database versions not stated): TOPMed 0.00002; ExAC 0.00003; gnomAD 0.00001.

Submissions (2):

Labcorp Genetics (formerly Invitae), Labcorp
Classification: Uncertain significance for Myasthenic syndrome, congenital, 22. Last evaluated: 2025-09-24. Review status: criteria provided, single submitter. Criteria: Invitae Variant Classification Sherloc (09022015). Collection method: clinical testing. Allele origin: germline.
Comment: This sequence change replaces arginine, which is basic and polar, with histidine, which is basic and polar, at codon 131 of the PREPL protein (p.Arg131His). This variant is present in population databases (rs78562665, gnomAD 0.003%). This variant has not been reported in the literature in individuals affected with PREPL-related conditions. ClinVar contains an entry for this variant (Variation ID: 2031557). Invitae Evidence Modeling of protein sequence and biophysical properties (such as structural, functional, and spatial information, amino acid conservation, physicochemical variation, residue mobility, and thermodynamic stability) indicates that this missense variant is not expected to disrupt PREPL protein function with a negative predictive value of 80%. In summary, the available evidence is currently insufficient to determine the role of this variant in disease. Therefore, it has been classified as a Variant of Uncertain Significance.

Ambry Genetics
Classification: Uncertain significance for Inborn genetic diseases. Last evaluated: 2025-09-10. Review status: criteria provided, single submitter. Criteria: Ambry Variant Classification Scheme 2023. Collection method: clinical testing. Allele origin: germline.